The following is an entry in ClinVar:

ClinVar aggregate classification (germline): Uncertain significance (1 of 4 stars; one submission).

Conditions:
Martsolf syndrome (MARTS). Also called: Congenital cataract with intellectual disability and hypogonadotropic hypogonadism syndrome. Identifiers: Orphanet 1387, MedGen C0796037, MONDO:0023910.
Warburg micro syndrome 2 (WARBM2). Also called: MICRO SYNDROME 2. Identifiers: Orphanet 2510, MedGen C3280214, MONDO:0013641, OMIM 614225.

Allele frequency attached by ClinVar (database versions not stated): gnomAD exomes below 0.00001.
gnomAD v4.1: 2 of 1,614,058 alleles (0.00012%); highest among the groups gnomAD compares: Admixed American, 0.0017%; no homozygotes.

Submission:

Labcorp Genetics (formerly Invitae), Labcorp
Classification: Uncertain significance for Martsolf syndrome; Warburg micro syndrome 2. Last evaluated: 2022-08-07. Review status: criteria provided, single submitter. Criteria: Invitae Variant Classification Sherloc (09022015). Collection method: clinical testing. Allele origin: germline.
Comment: This sequence change replaces phenylalanine, which is neutral and non-polar, with leucine, which is neutral and non-polar, at codon 951 of the RAB3GAP2 protein (p.Phe951Leu). This variant is not present in population databases (gnomAD no frequency). This variant has not been reported in the literature in individuals affected with RAB3GAP2-related conditions. Algorithms developed to predict the effect of missense changes on protein structure and function output the following: SIFT: "Tolerated"; PolyPhen-2: "Benign"; Align-GVGD: "Class C0". The leucine amino acid residue is found in multiple mammalian species, which suggests that this missense change does not adversely affect protein function. In summary, the available evidence is currently insufficient to determine the role of this variant in disease. Therefore, it has been classified as a Variant of Uncertain Significance.

NM_012414.4(RAB3GAP2):c.2853C>G (p.Phe951Leu)

Gene: RAB3GAP2 (RAB3 GTPase activating non-catalytic protein subunit 2; minus strand). Cytogenetic location: 1q41.
Variant type: single nucleotide variant.
Coding change: c.2853C>G on transcript NM_012414.4 (MANE Select); coding-DNA position 2853, C replaced by G.
Protein change: p.Phe951Leu; replaces phenylalanine 951 with leucine.
Molecular consequence: missense variant.
Genome position (GRCh38, 1-based): chr1:220,167,629, G>C on the plus strand (C>G on the coding strand, the complement: RAB3GAP2 is on the minus strand). VCF-style: chr1-220167629-G-C. GRCh37 (hg19) VCF-style: chr1-220340971-G-C.
Other names: short protein forms F951L.
Identifiers: ClinVar variation 2198884 (VCV002198884.3), dbSNP rs1658094866, ClinGen allele CA344636811.